The following is an entry in ClinVar:

ClinVar aggregate classification (germline): Uncertain significance (1 of 4 stars; one submission).

Submission:

Dasa
Classification: Uncertain significance. Last evaluated: 2025-01-14. Review status: criteria provided, single submitter. Criteria: DASA Assertion Criteria. Collection method: clinical testing. Allele origin: germline.
Comment: NM_000138.5(FBN1):c.7076C>T (p.Thr2359Ile) is a missense variant that results in the substitution of threonine with isoleucine. This variant is absent from population databases. Computational prediction algorithms are consistent with a deleterious effect. The currently available literature and clinical evidence are not sufficient to establish a definitive association between this variant and the reported condition. Therefore, this variant is classified as a variant of uncertain significance.

NM_000138.5(FBN1):c.7076C>T (p.Thr2359Ile)

Gene: FBN1 (fibrillin 1; minus strand). Cytogenetic location: 15q21.1.
Variant type: single nucleotide variant.
Coding change: c.7076C>T on transcript NM_000138.5 (MANE Select); coding-DNA position 7076, C replaced by T.
Protein change: p.Thr2359Ile; replaces threonine 2359 with isoleucine.
Molecular consequence: missense variant.
Genome position (GRCh38, 1-based): chr15:48,427,695, G>A on the plus strand (C>T on the coding strand, the complement: FBN1 is on the minus strand). VCF-style: chr15-48427695-G-A. GRCh37 (hg19) VCF-style: chr15-48719892-G-A.
Other names: c.7076C>T, p.Thr2359Ile (NM_001406716.1); short protein forms T2359I.
Identifiers: ClinVar variation 4883091 (VCV004883091.2).